The following is an entry in ClinVar:

NM_015135.3(NUP205):c.872G>A (p.Arg291Gln)

Gene: NUP205 (nucleoporin 205; plus strand). Cytogenetic location: 7q33.
Variant type: single nucleotide variant.
Coding change: c.872G>A on transcript NM_015135.3 (MANE Select); coding-DNA position 872, G replaced by A.
Protein change: p.Arg291Gln; replaces arginine 291 with glutamine.
Molecular consequence: missense variant. On other transcripts: 5 prime UTR variant (1).
Genome position (GRCh38, 1-based): chr7:135,578,019, G>A. VCF-style: chr7-135578019-G-A. GRCh37 (hg19) VCF-style: chr7-135262767-G-A.
Other names: c.-214G>A (NM_001329434.2); short protein forms R291Q.
Identifiers: ClinVar variation 4744590 (VCV004744590.1).

ClinVar aggregate classification (germline): Uncertain significance (1 of 4 stars; one submission).

gnomAD v4.1: 82 of 1,604,798 alleles (0.0051%); highest among the groups gnomAD compares: Non-Finnish European, 0.0062%; no homozygotes.

Submission:

Labcorp Genetics (formerly Invitae), Labcorp
Classification: Uncertain significance. Last evaluated: 2025-06-22. Review status: criteria provided, single submitter. Criteria: Invitae Variant Classification Sherloc (09022015). Collection method: clinical testing. Allele origin: germline.
Comment: This sequence change replaces arginine, which is basic and polar, with glutamine, which is neutral and polar, at codon 291 of the NUP205 protein (p.Arg291Gln). This variant is present in population databases (rs563076755, gnomAD 0.004%). This variant has not been reported in the literature in individuals affected with NUP205-related conditions. An algorithm developed to predict the effect of missense changes on protein structure and function (PolyPhen-2) suggests that this variant is likely to be tolerated. In summary, the available evidence is currently insufficient to determine the role of this variant in disease. Therefore, it has been classified as a Variant of Uncertain Significance.